The following is an entry in ClinVar:

NM_015072.5(TTLL5):c.264+1G>A

Gene: TTLL5 (tubulin tyrosine ligase like 5; plus strand). Cytogenetic location: 14q24.3.
Variant type: single nucleotide variant.
Coding change: c.264+1G>A on transcript NM_015072.5 (MANE Select); the canonical splice donor site of the intron after coding-DNA position 264, G replaced by A.
Molecular consequence: splice donor variant.
Genome position (GRCh38, 1-based): chr14:75,681,628, G>A. VCF-style: chr14-75681628-G-A. GRCh37 (hg19) VCF-style: chr14-76147971-G-A.
Identifiers: ClinVar variation 1200580 (VCV001200580.3), dbSNP rs1163242822, ClinGen allele CA390452269.

ClinVar aggregate classification (germline): Pathogenic (1 of 4 stars; one submission).

Allele frequency attached by ClinVar (database versions not stated): gnomAD exomes below 0.00001 and 0.00001; TOPMed below 0.00001.
gnomAD v4.1: 6 of 1,612,768 alleles (0.00037%); highest among the groups gnomAD compares: Middle Eastern, 0.017%; no homozygotes.

Submission:

GeneDx
Classification: Pathogenic. Last evaluated: 2019-07-11. Review status: criteria provided, single submitter. Criteria: GeneDx Variant Classification Process June 2021. Collection method: clinical testing. Allele origin: germline. Affected: yes.
Comment: Canonical splice site variant in a gene for which loss-of-function is a known mechanism of disease; Not observed at a significant frequency in large population cohorts (Lek et al., 2016); Has not been previously published as pathogenic or benign to our knowledge